The following is an entry in ClinVar:

ClinVar aggregate classification (germline): Pathogenic (1 of 4 stars; one submission).

Conditions:
Norman-Roberts syndrome (LIS2). Also called: Lissencephaly 2 (Norman-Roberts type). Identifiers: Orphanet 89844, MedGen C0796089, MONDO:0009760, OMIM 257320.
Familial temporal lobe epilepsy 7. Identifiers: Orphanet 101046, MedGen C4225327, MONDO:0014639, OMIM 616436.

Submission:

Labcorp Genetics (formerly Invitae), Labcorp
Classification: Pathogenic for Familial temporal lobe epilepsy 7; Norman-Roberts syndrome. Last evaluated: 2023-11-12. Review status: criteria provided, single submitter. Criteria: Invitae Variant Classification Sherloc (09022015). Collection method: clinical testing. Allele origin: germline.
Comment: This sequence change creates a premature translational stop signal (p.Glu2263*) in the RELN gene. It is expected to result in an absent or disrupted protein product. Loss-of-function variants in RELN are known to be pathogenic (PMID: 10973257, 26046367, 28454995). This variant is not present in population databases (gnomAD no frequency). This variant has not been reported in the literature in individuals affected with RELN-related conditions. For these reasons, this variant has been classified as Pathogenic.

Literature cited by the submitters: PubMed 10973257; PubMed 26046367; PubMed 28454995.

NM_005045.4(RELN):c.6787G>T (p.Glu2263Ter)

Gene: RELN (reelin; minus strand). Cytogenetic location: 7q22.1.
Variant type: single nucleotide variant.
Coding change: c.6787G>T on transcript NM_005045.4 (MANE Select); coding-DNA position 6787, G replaced by T.
Protein change: p.Glu2263Ter; replaces glutamic acid 2263 with a stop codon.
Molecular consequence: nonsense.
Genome position (GRCh38, 1-based): chr7:103,540,340, C>A on the plus strand (G>T on the coding strand, the complement: RELN is on the minus strand). VCF-style: chr7-103540340-C-A. GRCh37 (hg19) VCF-style: chr7-103180787-C-A.
Other names: c.6787G>T, p.Glu2263Ter (NM_173054.3); short protein forms E2263*.
Identifiers: ClinVar variation 2953441 (VCV002953441.3), dbSNP rs1830150596, ClinGen allele CA368769959.